The following is an entry in ClinVar:

NM_014810.5(CEP350):c.4047A>G (p.Val1349=)

Gene: CEP350 (centrosomal protein 350; plus strand). Cytogenetic location: 1q25.2.
Variant type: single nucleotide variant.
Coding change: c.4047A>G on transcript NM_014810.5 (MANE Select); coding-DNA position 4047, A replaced by G.
Protein change: p.Val1349=; no amino-acid change (valine 1349 retained).
Molecular consequence: synonymous variant.
Genome position (GRCh38, 1-based): chr1:180,037,026, A>G. VCF-style: chr1-180037026-A-G. GRCh37 (hg19) VCF-style: chr1-180006161-A-G.
Identifiers: ClinVar variation 4875069 (VCV004875069.2).

ClinVar aggregate classification (germline): Likely benign (1 of 4 stars; one submission).

Submission:

CeGaT Center for Human Genetics Tuebingen
Classification: Likely benign. Last evaluated: 2026-06-01. Review status: criteria provided, single submitter. Criteria: CeGaT Center For Human Genetics Tuebingen Variant Classification Criteria Version 2. Collection method: clinical testing. Allele origin: germline. Affected: yes. Observed: 1 variant allele.
Comment: CEP350: PM2:Supporting, BP4, BP7